The following is an entry in ClinVar:

ClinVar aggregate classification (germline): Conflicting classifications of pathogenicity. Review status: criteria provided, conflicting classifications (1 of 4 stars). 5 submissions from 5 submitters: Uncertain significance (2); Benign (2); Likely benign (1). Last evaluated 2025-12-03.

Conditions:
Brain small vessel disease 2A, autosomal dominant. Also called: Porencephaly 2. Identifiers: Orphanet 2940, Orphanet 99810, MedGen C3280970, MONDO:0013773, OMIM 614483.

Allele frequency attached by ClinVar (database versions not stated): gnomAD 0.00013 and 0.00019; gnomAD exomes 0.00016 and 0.00035; TOPMed 0.00028; 1000 Genomes Project 30x 0.00031; 1000 Genomes Project 0.00040; ExAC 0.00067.
gnomAD v4.1: 268 of 1,586,602 alleles (0.017%); highest among the groups gnomAD compares: East Asian, 0.44%; no homozygotes.

Submissions (5):

Labcorp Genetics (formerly Invitae), Labcorp
Classification: Benign. Last evaluated: 2025-12-03. Review status: criteria provided, single submitter. Criteria: Invitae Variant Classification Sherloc (09022015). Collection method: clinical testing. Allele origin: germline.

Blueprint Genetics
Classification: Likely benign. Last evaluated: 2024-10-02. Review status: criteria provided, single submitter. Criteria: ACMG Guidelines, 2015. Collection method: clinical testing. Allele origin: germline.

New York Genome Center
Classification: Uncertain significance for Brain small vessel disease 2A, autosomal dominant. Last evaluated: 2021-12-11. Review status: criteria provided, single submitter. Criteria: NYGC Assertion Criteria 2020. Collection method: clinical testing. Allele origin: inherited. Observed: 1 heterozygote. Study: CSER-NYCKidSeq.
Comment: The heterozygous missense p.Asp1366Asn variant identified in the COL4A2 gene has not been reported in affected individuals in the literature. The variant has 0.000342 allele frequency in the gnomAD database (79 out of 231,076 heterozygous alleles). Based on the current evidence, the p.Asp1366Asn variant in the COL4A2 gene is assessed as a variant of uncertain significance.

GeneDx
Classification: Uncertain significance. Last evaluated: 2019-04-29. Review status: criteria provided, single submitter. Criteria: GeneDx Variant Classification Process June 2021. Collection method: clinical testing. Allele origin: germline. Affected: yes.
Comment: In silico analysis, which includes protein predictors and evolutionary conservation, supports a deleterious effect; Has not been previously published as pathogenic or benign to our knowledge

Illumina Laboratory Services, Illumina
Classification: Benign for Brain small vessel disease 2A, autosomal dominant. Last evaluated: 2018-01-13. Review status: criteria provided, single submitter. Criteria: ICSL Variant Classification Criteria 13 December 2019. Collection method: clinical testing. Allele origin: germline.
Comment: This variant was observed in the ICSL laboratory as part of a predisposition screen in an ostensibly healthy population. It had not been previously curated by ICSL or reported in the Human Gene Mutation Database (HGMD: prior to June 1st, 2018), and was therefore a candidate for classification through an automated scoring system. Utilizing variant allele frequency, disease prevalence and penetrance estimates, and inheritance mode, an automated score was calculated to assess if this variant is too frequent to cause the disease. Based on the score and internal cut-off values, a variant classified as benign is not then subjected to further curation. The score for this variant resulted in a classification of benign for this disease.

NM_001846.4(COL4A2):c.4096G>A (p.Asp1366Asn)

Genes: COL4A2 (collagen type IV alpha 2 chain; plus strand), COL4A2-AS1 (COL4A2 antisense RNA 1; minus strand). Cytogenetic location: 13q34.
Variant type: single nucleotide variant.
Coding change: c.4096G>A on transcript NM_001846.4 (MANE Select); coding-DNA position 4096, G replaced by A.
Protein change: p.Asp1366Asn; replaces aspartic acid 1366 with asparagine.
Molecular consequence: missense variant.
Genome position (GRCh38, 1-based): chr13:110,503,439, G>A. VCF-style: chr13-110503439-G-A. GRCh37 (hg19) VCF-style: chr13-111155786-G-A.
Other names: short protein forms D1366N.
Identifiers: ClinVar variation 311172 (VCV000311172.18), dbSNP rs558814304, ClinGen allele CA7050410.